The following is an entry in ClinVar:

NM_025137.4(SPG11):c.3892+3dup

Gene: SPG11 (SPG11 vesicle trafficking associated, spatacsin; minus strand). Cytogenetic location: 15q21.1.
Variant type: Duplication.
Coding change: c.3892+3dup on transcript NM_025137.4 (MANE Select); 3 bases into the intron after coding-DNA position 3892, one base duplicated (A; older notation c.3892+3dupA).
Molecular consequence: intron variant.
Genome position (GRCh38, 1-based): chr15:44,598,628, T duplicated on the plus strand (A on the coding strand, the reverse complement: SPG11 is on the minus strand). VCF-style (leftmost placement, unchanged base first): chr15-44598627-G-GT. GRCh37 (hg19) VCF-style: chr15-44890825-G-GT.
Other names: c.3892+3dup (NM_001160227.2).
Identifiers: ClinVar variation 837798 (VCV000837798.8), dbSNP rs1265100911, ClinGen allele CA618006101.
Genomic context (GRCh38, chr15:44,598,627, plus strand): 5'-TTCAATGCCTTAGACCTCGTCACACCTTCTCTAAACAAAGCAGGCCAGATAAAAGGTGCT[G>GT]TACCTACAGACTCTCTGATAAAGCTGTACTGAGCATCTTCATTTCTGCACTTGTAGCTCA-3'

ClinVar aggregate classification (germline): Uncertain significance (1 of 4 stars; one submission).

Conditions:
Hereditary spastic paraplegia 11. Also called: Spastic paraplegia, mental retardation and thin corpus callosum; Nakamura Osame syndrome; Autosomal recessive hereditary spastic paraplegia, mental impairment, and thin corpus callosum; SPASTIC PARAPLEGIA, AUTOSOMAL RECESSIVE, COMPLICATED, WITH THIN CORPUS CALLOSUM; SPASTIC PARAPLEGIA, AUTOSOMAL RECESSIVE, WITH MENTAL IMPAIRMENT AND THIN CORPUS CALLOSUM; Spastic Paraplegia 11. Identifiers: Orphanet 2822, MedGen C1858479, MONDO:0011445, OMIM 604360.

Allele frequency attached by ClinVar (database versions not stated): gnomAD exomes below 0.00001; TOPMed below 0.00001.

Submission:

Labcorp Genetics (formerly Invitae), Labcorp
Classification: Uncertain significance for Hereditary spastic paraplegia 11. Last evaluated: 2025-07-08. Review status: criteria provided, single submitter. Criteria: Invitae Variant Classification Sherloc (09022015). Collection method: clinical testing. Allele origin: germline.
Comment: This sequence change falls in intron 22 of the SPG11 gene. It does not directly change the encoded amino acid sequence of the SPG11 protein. It affects a nucleotide within the consensus splice site. This variant is present in population databases (no rsID available, gnomAD 0.0009%). This variant has not been reported in the literature in individuals affected with SPG11-related conditions. ClinVar contains an entry for this variant (Variation ID: 837798). Variants that disrupt the consensus splice site are a relatively common cause of aberrant splicing (PMID: 17576681, 9536098). Algorithms developed to predict the effect of sequence changes on RNA splicing suggest that this variant is not likely to affect RNA splicing. In summary, the available evidence is currently insufficient to determine the role of this variant in disease. Therefore, it has been classified as a Variant of Uncertain Significance.

Literature cited by the submitters: PubMed 17576681; PubMed 9536098.